The following is an entry in ClinVar:

ClinVar aggregate classification (germline): Uncertain significance (1 of 4 stars; one submission).

Conditions:
LAMA2-related muscular dystrophy (LAMA2-RD). Also called: Laminin alpha 2-related dystrophy. Identifiers: MedGen C5679788, MONDO:0100228.

Allele frequency attached by ClinVar (database versions not stated): gnomAD exomes below 0.00001 and 0.00002; TOPMed 0.00001; ExAC 0.00002.
gnomAD v4.1: 4 of 1,614,158 alleles (0.00025%); highest among the groups gnomAD compares: East Asian, 0.0022%; no homozygotes.

Submission:

Labcorp Genetics (formerly Invitae), Labcorp
Classification: Uncertain significance for LAMA2-related muscular dystrophy. Last evaluated: 2022-08-21. Review status: criteria provided, single submitter. Criteria: Invitae Variant Classification Sherloc (09022015). Collection method: clinical testing. Allele origin: germline.
Comment: This sequence change replaces glycine, which is neutral and non-polar, with alanine, which is neutral and non-polar, at codon 2932 of the LAMA2 protein (p.Gly2932Ala). This variant is present in population databases (rs768618780, gnomAD 0.01%). This variant has not been reported in the literature in individuals affected with LAMA2-related conditions. ClinVar contains an entry for this variant (Variation ID: 937156). Advanced modeling of protein sequence and biophysical properties (such as structural, functional, and spatial information, amino acid conservation, physicochemical variation, residue mobility, and thermodynamic stability) performed at Invitae indicates that this missense variant is not expected to disrupt LAMA2 protein function. In summary, the available evidence is currently insufficient to determine the role of this variant in disease. Therefore, it has been classified as a Variant of Uncertain Significance.

NM_000426.4(LAMA2):c.8795G>C (p.Gly2932Ala)

Gene: LAMA2 (laminin subunit alpha 2; plus strand). Cytogenetic location: 6q22.33.
Variant type: single nucleotide variant.
Coding change: c.8795G>C on transcript NM_000426.4 (MANE Select); coding-DNA position 8795, G replaced by C.
Protein change: p.Gly2932Ala; replaces glycine 2932 with alanine.
Molecular consequence: missense variant.
Genome position (GRCh38, 1-based): chr6:129,507,580, G>C. VCF-style: chr6-129507580-G-C. GRCh37 (hg19) VCF-style: chr6-129828725-G-C.
Other names: c.8783G>C, p.Gly2928Ala (NM_001079823.2); short protein forms G2932A, G2928A.
Identifiers: ClinVar variation 937156 (VCV000937156.3), dbSNP rs768618780, ClinGen allele CA3994920.